The following is an entry in ClinVar:

NM_138694.4(PKHD1):c.12028C>T (p.Gln4010Ter)

Gene: PKHD1 (PKHD1 ciliary IPT domain containing fibrocystin/polyductin; minus strand). Cytogenetic location: 6p12.3.
Variant type: single nucleotide variant.
Coding change: c.12028C>T on transcript NM_138694.4 (MANE Select); coding-DNA position 12028, C replaced by T.
Protein change: p.Gln4010Ter; replaces glutamine 4010 with a stop codon.
Molecular consequence: nonsense.
Genome position (GRCh38, 1-based): chr6:51,619,278, G>A on the plus strand (C>T on the coding strand, the complement: PKHD1 is on the minus strand). VCF-style: chr6-51619278-G-A. GRCh37 (hg19) VCF-style: chr6-51484076-G-A.
Other names: short protein forms Q4010*.
Identifiers: ClinVar variation 4816569 (VCV004816569.1).

ClinVar aggregate classification (germline): Likely pathogenic (1 of 4 stars; one submission).

Conditions:
Autosomal recessive polycystic kidney disease (ARPKD). Also called: AR polycystic kidney disease. Identifiers: Orphanet 731, Orphanet 8378, MedGen C0085548, MeSH D017044, MONDO:0009889.

Submission:

Natera, Inc.
Classification: Likely pathogenic for Autosomal recessive polycystic kidney disease. Last evaluated: 2024-12-02. Review status: criteria provided, single submitter. Criteria: Natera Variant Classification Schema (03/2026). Collection method: clinical testing. Allele origin: germline.
Comment: The c.12028C>T variant in PKHD1 is a nonsense variant predicted to introduce a stop codon at amino acid 4010. This variant is expected to result in nonsense mediated decay, truncation, or a dysfunctional protein product. This variant is rare in the general population with a frequency below the threshold expected for the associated phenotype(s). Given the available evidence, this variant is classified as Likely Pathogenic.